The following is an entry in ClinVar:

ClinVar aggregate classification (germline): Uncertain significance (1 of 4 stars; one submission).

Allele frequency attached by ClinVar (database versions not stated): gnomAD exomes below 0.00001; TOPMed below 0.00001; gnomAD 0.00001.
gnomAD v4.1: 4 of 1,610,270 alleles (0.00025%); highest among the groups gnomAD compares: Non-Finnish European, 0.00034%; no homozygotes.

Submission:

GeneDx
Classification: Uncertain significance. Last evaluated: 2022-12-14. Review status: criteria provided, single submitter. Criteria: GeneDx Variant Classification Process June 2021. Collection method: clinical testing. Allele origin: germline. Affected: yes.
Comment: Not observed at significant frequency in large population cohorts (gnomAD); In silico analysis supports that this missense variant does not alter protein structure/function; Has not been previously published as pathogenic or benign to our knowledge

NM_001853.4(COL9A3):c.610G>A (p.Val204Ile)

Gene: COL9A3 (collagen type IX alpha 3 chain; plus strand). Cytogenetic location: 20q13.33.
Variant type: single nucleotide variant.
Coding change: c.610G>A on transcript NM_001853.4 (MANE Select); coding-DNA position 610, G replaced by A.
Protein change: p.Val204Ile; replaces valine 204 with isoleucine.
Molecular consequence: missense variant.
Genome position (GRCh38, 1-based): chr20:62,825,001, G>A. VCF-style: chr20-62825001-G-A. GRCh37 (hg19) VCF-style: chr20-61456353-G-A.
Other names: short protein forms V204I.
Identifiers: ClinVar variation 2505997 (VCV002505997.1), dbSNP rs1287500803, ClinGen allele CA409590906.
Genomic context (GRCh38, chr20:62,825,001, plus strand): 5'-GGGCAGTGACCCCACATTTGCTTGCAGGGACCCACTGGCTACAAAGGCGAGCAGGGGGAA[G>A]TCGGCAAGGACGGCGAGAAGGTGAAGCTGCCGCACAGCAGCTGGGGAGGAGCTGGGGACT-3'
Protein context (NP_001844.3, residues 194-214): PTGYKGEQGE[Val204Ile]GKDGEKGDPG